The following is an entry in ClinVar:

ClinVar aggregate classification (germline): Uncertain significance (1 of 4 stars; one submission).

Allele frequency attached by ClinVar (database versions not stated): gnomAD exomes below 0.00001.
gnomAD v4.1: 1 of 1,612,798 alleles (0.000062%); highest among the groups gnomAD compares: Non-Finnish European, 0.000085%; no homozygotes.

Submission:

Labcorp Genetics (formerly Invitae), Labcorp
Classification: Uncertain significance. Last evaluated: 2021-09-24. Review status: criteria provided, single submitter. Criteria: Invitae Variant Classification Sherloc (09022015). Collection method: clinical testing. Allele origin: germline.
Comment: This sequence change replaces methionine with isoleucine at codon 554 of the MSH3 protein (p.Met554Ile). The methionine residue is moderately conserved and there is a small physicochemical difference between methionine and isoleucine. This variant is not present in population databases (ExAC no frequency). In summary, the available evidence is currently insufficient to determine the role of this variant in disease. Therefore, it has been classified as a Variant of Uncertain Significance. Algorithms developed to predict the effect of missense changes on protein structure and function (SIFT, PolyPhen-2, Align-GVGD) all suggest that this variant is likely to be tolerated. This variant has not been reported in the literature in individuals affected with MSH3-related conditions.

NM_002439.5(MSH3):c.1662G>A (p.Met554Ile)

Gene: MSH3 (mutS homolog 3; plus strand). Cytogenetic location: 5q14.1.
Variant type: single nucleotide variant.
Coding change: c.1662G>A on transcript NM_002439.5 (MANE Select); coding-DNA position 1662, G replaced by A.
Protein change: p.Met554Ile; replaces methionine 554 with isoleucine.
Molecular consequence: missense variant.
Genome position (GRCh38, 1-based): chr5:80,744,514, G>A. VCF-style: chr5-80744514-G-A. GRCh37 (hg19) VCF-style: chr5-80040333-G-A.
Other names: short protein forms M554I.
Identifiers: ClinVar variation 1434168 (VCV001434168.6), dbSNP rs2112868841, ClinGen allele CA360274633.
Genomic context (GRCh38, chr5:80,744,514, plus strand): 5'-TTGGCACAAATAATTGTCTAGTTAATAAAACTTGTTTTCTGGTCTTTCTTAGACTGATAT[G>A]AAAACCAAAGGAAGTTTGCTGTGGGTTTTAGACCACACTAAAACTTCATTTGGGAGACGG-3'
Protein context (NP_002430.3, residues 544-564): NLEILQNQTD[Met554Ile]KTKGSLLWVL